The following is an entry in ClinVar:

ClinVar aggregate classification (germline): Conflicting classifications of pathogenicity. Review status: criteria provided, conflicting classifications (1 of 4 stars). 2 submissions from 2 submitters: Pathogenic (1); Uncertain significance (1). Last evaluated 2026-03-25.

Submissions (2):

GeneDx
Classification: Uncertain significance. Last evaluated: 2026-03-25. Review status: criteria provided, single submitter. Criteria: GeneDx Variant Classification Process June 2021. Collection method: clinical testing. Allele origin: germline.
Comment: Not observed at significant frequency in large population cohorts (gnomAD); Frameshift variant predicted to result in protein truncation or nonsense mediated decay in a gene or region of a gene for which loss of function is not a well-established mechanism of disease; Has not been previously published as pathogenic or benign to our knowledge

Labcorp Genetics (formerly Invitae), Labcorp
Classification: Pathogenic. Last evaluated: 2024-04-17. Review status: criteria provided, single submitter. Criteria: Invitae Variant Classification Sherloc (09022015). Collection method: clinical testing. Allele origin: germline.
Comment: This sequence change creates a premature translational stop signal (p.Gln1476Hisfs*15) in the PRPF8 gene. It is expected to result in an absent or disrupted protein product. Loss-of-function variants in PRPF8 are known to be pathogenic (PMID: 27208204, 31054281, 33946315). This variant is not present in population databases (gnomAD no frequency). This variant has not been reported in the literature in individuals affected with PRPF8-related conditions. ClinVar contains an entry for this variant (Variation ID: 2112601). For these reasons, this variant has been classified as Pathogenic.

Literature cited by the submitters: PubMed 27208204 (cited by Labcorp Genetics (formerly Invitae), Labcorp); PubMed 31054281 (cited by Labcorp Genetics (formerly Invitae), Labcorp); PubMed 33946315 (cited by Labcorp Genetics (formerly Invitae), Labcorp).

NM_006445.4(PRPF8):c.4428_4429del (p.Gln1476fs)

Gene: PRPF8 (pre-mRNA processing factor 8; minus strand). Cytogenetic location: 17p13.3.
Variant type: Deletion.
Coding change: c.4428_4429del on transcript NM_006445.4 (MANE Select); coding-DNA positions 4428 to 4429, 2 bases deleted (GG; older notation c.4428_4429delGG).
Protein change: p.Gln1476fs; shifts the reading frame from glutamine 1476.
Molecular consequence: frameshift variant.
Genome position (GRCh38, 1-based): chr17:1,661,072-1,661,073, CC deleted on the plus strand (GG on the coding strand, the reverse complement: PRPF8 is on the minus strand). VCF-style (leftmost placement, unchanged base first): chr17-1661071-GCC-G. GRCh37 (hg19) VCF-style: chr17-1564365-GCC-G.
Other names: c.4428_4429del (NM_006445.3); short protein forms Q1476fs.
Identifiers: ClinVar variation 2112601 (VCV002112601.5), dbSNP rs2543733512, ClinGen allele CA2576120837.